The following is an entry in ClinVar:

NM_006230.4(POLD2):c.142C>G (p.Arg48Gly)

Gene: POLD2 (DNA polymerase delta 2, accessory subunit; minus strand). Cytogenetic location: 7p13.
Variant type: single nucleotide variant.
Coding change: c.142C>G on transcript NM_006230.4 (MANE Select); coding-DNA position 142, C replaced by G.
Protein change: p.Arg48Gly; replaces arginine 48 with glycine.
Molecular consequence: missense variant.
Genome position (GRCh38, 1-based): chr7:44,121,912, G>C on the plus strand (C>G on the coding strand, the complement: POLD2 is on the minus strand). VCF-style: chr7-44121912-G-C. GRCh37 (hg19) VCF-style: chr7-44161511-G-C.
Other names: c.142C>G, p.Arg48Gly (NM_001127218.3, NM_001256879.2); short protein forms R48G.
Identifiers: ClinVar variation 1994071 (VCV001994071.4), dbSNP rs138987928, ClinGen allele CA367387529.
Genomic context (GRCh38, chr7:44,121,912, plus strand): 5'-GGTTCTCCAGGAAGGGTCTCATTTGGATGAGGCGGGTGGCATAAATGTGGGCATACTGCC[G>C]GCTAAAGCTGCGCTCTCCTAGCCGGAAGGGTTGTGAGGAGTTGGTGTAGGTTGCCACTGG-3'
Protein context (NP_006221.3, residues 38-58): PFRLGERSFS[Arg48Gly]QYAHIYATRL

ClinVar aggregate classification (germline): Uncertain significance (1 of 4 stars; one submission).

Submission:

Labcorp Genetics (formerly Invitae), Labcorp
Classification: Uncertain significance. Last evaluated: 2022-07-14. Review status: criteria provided, single submitter. Criteria: Invitae Variant Classification Sherloc (09022015). Collection method: clinical testing. Allele origin: germline.
Comment: This sequence change replaces arginine, which is basic and polar, with glycine, which is neutral and non-polar, at codon 83 of the POLD2 protein (p.Arg83Gly). This variant is not present in population databases (gnomAD no frequency). This variant has not been reported in the literature in individuals affected with POLD2-related conditions. Algorithms developed to predict the effect of missense changes on protein structure and function are either unavailable or do not agree on the potential impact of this missense change (SIFT: "Deleterious"; PolyPhen-2: "Not Available"; Align-GVGD: "Class C0"). In summary, the available evidence is currently insufficient to determine the role of this variant in disease. Therefore, it has been classified as a Variant of Uncertain Significance.